The following is an entry in ClinVar:

ClinVar aggregate classification (germline): Pathogenic. Review status: criteria provided, multiple submitters, no conflicts (2 of 4 stars). 4 submissions from 4 submitters: Pathogenic (3). 1 of the submissions does not count toward it. Last evaluated 2025-08-25.

Conditions:
Microcephaly 8, primary, autosomal recessive. Identifiers: Orphanet 2512, MedGen C3553414, MONDO:0013849, OMIM 614673.

Allele frequency attached by ClinVar (database versions not stated): gnomAD exomes 0.00001; TOPMed 0.00003.
gnomAD v4.1: 25 of 1,603,576 alleles (0.0016%); highest among the groups gnomAD compares: African/African-American, 0.011%; no homozygotes.

Submissions (4):

Daryl Scott Lab, Baylor College of Medicine
Classification: Pathogenic for Microcephaly 8, primary, autosomal recessive. Last evaluated: 2025-08-25. Review status: criteria provided, single submitter. Criteria: ACMG Guidelines, 2015. Collection method: clinical testing. Allele origin: paternal. Affected: yes. Observed: 1 compound heterozygote.
Comment: PVS1, PM2, PM3

Labcorp Genetics (formerly Invitae), Labcorp
Classification: Pathogenic. Last evaluated: 2025-03-16. Review status: criteria provided, single submitter. Criteria: Invitae Variant Classification Sherloc (09022015). Collection method: clinical testing. Allele origin: germline.
Comment: This sequence change creates a premature translational stop signal (p.Arg908*) in the CEP135 gene. It is expected to result in an absent or disrupted protein product. Loss-of-function variants in CEP135 are known to be pathogenic (PMID: 22521416, 26657937). This variant is present in population databases (no rsID available, gnomAD 0.002%). This premature translational stop signal has been observed in individual(s) with congenital microcephaly (PMID: 30214071). ClinVar contains an entry for this variant (Variation ID: 982087). For these reasons, this variant has been classified as Pathogenic.

GeneDx
Classification: Pathogenic. Last evaluated: 2024-01-10. Review status: criteria provided, single submitter. Criteria: GeneDx Variant Classification Process June 2021. Collection method: clinical testing. Allele origin: germline. Affected: yes.
Comment: Nonsense variant predicted to result in protein truncation or nonsense mediated decay in a gene for which loss of function is a known mechanism of disease; Not observed at significant frequency in large population cohorts (gnomAD); This variant is associated with the following publications: (PMID: 30214071)

Pathology and Clinical Laboratory Medicine, King Fahad Medical City
Classification: Pathogenic for Microcephaly 8, primary, autosomal recessive. Review status: no assertion criteria provided. Criteria: ACMG Guidelines, 2015. Collection method: clinical testing. Allele origin: germline. Affected: yes. Not counted in ClinVar's aggregate classification.

Literature cited by the submitters: PubMed 22521416 (cited by Labcorp Genetics (formerly Invitae), Labcorp); PubMed 26657937 (cited by Labcorp Genetics (formerly Invitae), Labcorp); PubMed 30214071 (cited by Labcorp Genetics (formerly Invitae), Labcorp).

NM_025009.5(CEP135):c.2722C>T (p.Arg908Ter)

Gene: CEP135 (centrosomal protein 135; plus strand). Cytogenetic location: 4q12.
Variant type: single nucleotide variant.
Coding change: c.2722C>T on transcript NM_025009.5 (MANE Select); coding-DNA position 2722, C replaced by T.
Protein change: p.Arg908Ter; replaces arginine 908 with a stop codon.
Molecular consequence: nonsense.
Genome position (GRCh38, 1-based): chr4:56,011,905, C>T. VCF-style: chr4-56011905-C-T. GRCh37 (hg19) VCF-style: chr4-56878071-C-T.
Other names: short protein forms R908*.
Identifiers: ClinVar variation 982087 (VCV000982087.12), dbSNP rs186530606, ClinGen allele CA97585558.